The following is an entry in ClinVar:

ClinVar aggregate classification (germline): Uncertain significance. Review status: criteria provided, multiple submitters, no conflicts (2 of 4 stars). 5 submissions from 5 submitters: Uncertain significance (5). Last evaluated 2026-06-18.

Conditions:
COL18A1-related disorder. Also called: COL18A1-related disorders; COL18A1-related condition.
Inborn genetic diseases. Identifiers: MedGen C0950123, MeSH D030342.

Allele frequency attached by ClinVar (database versions not stated): ExAC 0.00010; gnomAD exomes 0.00012 and 0.00015; TOPMed 0.00012; gnomAD 0.00013.
gnomAD v4.1: 230 of 1,613,368 alleles (0.014%); highest among the groups gnomAD compares: Admixed American, 0.033%; no homozygotes.

Submissions (5):

PreventionGenetics, part of Exact Sciences
Classification: Uncertain significance for COL18A1-related condition. Last evaluated: 2026-06-18. Review status: criteria provided, single submitter. Criteria: ACMG Guidelines, 2015. Collection method: clinical testing. Allele origin: germline.
Comment: The COL18A1 c.2168C>T variant is predicted to result in the amino acid substitution p.Pro723Leu. In an alternate transcript (NM_001379500.1), this variant is known as c.1628C>T (p.Pro543Leu). To our knowledge, this variant has not been reported in the literature. This variant is reported in 0.028% of alleles in individuals of Latino descent in gnomAD. At this time, the clinical significance of this variant is uncertain due to the absence of conclusive functional and genetic evidence.

GeneDx
Classification: Uncertain significance. Last evaluated: 2026-03-21. Review status: criteria provided, single submitter. Criteria: GeneDx Variant Classification Process June 2021. Collection method: clinical testing. Allele origin: germline.
Comment: Reported along with a second variant in the COL18A1 gene on the opposite allele (in trans) in a patient with multiple congenital abnormalities in published literature; however, both variants were classified as variants of uncertain significance by the authors (PMID: 39762984); In silico analysis supports that this missense variant has a deleterious effect on protein structure/function; This variant is associated with the following publications: (PMID: 39762984)

Labcorp Genetics (formerly Invitae), Labcorp
Classification: Uncertain significance. Last evaluated: 2025-10-23. Review status: criteria provided, single submitter. Criteria: Invitae Variant Classification Sherloc (09022015). Collection method: clinical testing. Allele origin: germline.
Comment: This sequence change replaces proline, which is neutral and non-polar, with leucine, which is neutral and non-polar, at codon 543 of the COL18A1 protein (p.Pro543Leu). This variant is present in population databases (rs770190035, gnomAD 0.03%). This variant has not been reported in the literature in individuals affected with COL18A1-related conditions. ClinVar contains an entry for this variant (Variation ID: 1390348). Experimental studies and prediction algorithms are not available or were not evaluated, and the functional significance of this variant is currently unknown. Algorithms developed to predict the effect of sequence changes on RNA splicing suggest that this variant may disrupt the consensus splice site. In summary, the available evidence is currently insufficient to determine the role of this variant in disease. Therefore, it has been classified as a Variant of Uncertain Significance.

Blueprint Genetics
Classification: Uncertain significance. Last evaluated: 2024-04-24. Review status: criteria provided, single submitter. Criteria: ACMG Guidelines, 2015. Collection method: clinical testing. Allele origin: germline.

Ambry Genetics
Classification: Uncertain significance for Inborn genetic diseases. Last evaluated: 2022-04-12. Review status: criteria provided, single submitter. Criteria: Ambry Variant Classification Scheme 2023. Collection method: clinical testing. Allele origin: germline.

NM_001379500.1(COL18A1):c.1628C>T (p.Pro543Leu)

Gene: COL18A1 (collagen type XVIII alpha 1 chain; plus strand). Cytogenetic location: 21q22.3.
Variant type: single nucleotide variant.
Coding change: c.1628C>T on transcript NM_001379500.1 (MANE Select); coding-DNA position 1628, C replaced by T.
Protein change: p.Pro543Leu; replaces proline 543 with leucine.
Molecular consequence: missense variant.
Genome position (GRCh38, 1-based): chr21:45,481,979, C>T. VCF-style: chr21-45481979-C-T. GRCh37 (hg19) VCF-style: chr21-46901893-C-T.
Other names: NM_130445.2:c.1628C>T; c.2168C>T, p.Pro723Leu (NM_030582.4); c.2873C>T, p.Pro958Leu (NM_130444.3); c.2168C>T (NM_030582.3); short protein forms P543L, P958L, P723L.
Identifiers: ClinVar variation 1390348 (VCV001390348.10), dbSNP rs770190035, ClinGen allele CA10066431.
Genomic context (GRCh38, chr21:45,481,979, plus strand): 5'-TGGCCGAATGCCATCAAGACCCACTATGCTCTGCTCTCCCCCAGGGACCCCCAGGCCCTC[C>T]GGGAAGAGAGGGGCCCCCAGGAAGGACTGGGCAGAAAGGCAGCCTGGTAAGTCTTCCCTC-3'
Protein context (NP_001366429.1, residues 533-553): FPGLPGPPGP[Pro543Leu]GREGPPGRTG